The following is an entry in ClinVar:

ClinVar aggregate classification (germline): Pathogenic. Review status: criteria provided, multiple submitters, no conflicts (2 of 4 stars). 2 submissions from 2 submitters: Pathogenic (2). Last evaluated 2025-07-06.

Conditions:
DICER1-related tumor predisposition. Also called: DICER1-related pleuropulmonary blastoma cancer predisposition syndrome; DICER1 syndrome. Identifiers: Orphanet 284343, MedGen C3839822, MONDO:0100216.
Hereditary cancer-predisposing syndrome. Also called: Hereditary neoplastic syndrome; Hereditary Cancer Syndrome; Neoplastic Syndromes, Hereditary; Tumor predisposition. Identifiers: Orphanet 140162, MedGen C0027672, MeSH D009386, MONDO:0015356.

Submissions (2):

Labcorp Genetics (formerly Invitae), Labcorp
Classification: Pathogenic for DICER1-related tumor predisposition. Last evaluated: 2025-07-06. Review status: criteria provided, single submitter. Criteria: Invitae Variant Classification Sherloc (09022015). Collection method: clinical testing. Allele origin: germline.
Comment: This sequence change creates a premature translational stop signal (p.Tyr769*) in the DICER1 gene. It is expected to result in an absent or disrupted protein product. Loss-of-function variants in DICER1 are known to be pathogenic (PMID: 19556464, 21266384). This variant is not present in population databases (gnomAD no frequency). This variant has not been reported in the literature in individuals affected with DICER1-related conditions. ClinVar contains an entry for this variant (Variation ID: 1368411). For these reasons, this variant has been classified as Pathogenic.

Ambry Genetics
Classification: Pathogenic for Hereditary cancer-predisposing syndrome. Last evaluated: 2024-11-18. Review status: criteria provided, single submitter. Criteria: Ambry Variant Classification Scheme 2023. Collection method: clinical testing. Allele origin: germline.
Comment: The c.2306dupA pathogenic mutation, located in coding exon 14 of the DICER1 gene, results from a duplication of A at nucleotide position 2306, causing a translational frameshift with a predicted alternate stop codon (p.Y769*). This alteration is expected to result in loss of function by premature protein truncation or nonsense-mediated mRNA decay. As such, this alteration is interpreted as a disease-causing mutation.

Literature cited by the submitters: PubMed 19556464 (cited by Labcorp Genetics (formerly Invitae), Labcorp); PubMed 21266384 (cited by Labcorp Genetics (formerly Invitae), Labcorp).

NM_177438.3(DICER1):c.2306dup (p.Tyr769Ter)

Gene: DICER1 (dicer 1, ribonuclease III; minus strand). Cytogenetic location: 14q32.13.
Variant type: Duplication.
Coding change: c.2306dup on transcript NM_177438.3 (MANE Select); coding-DNA position 2306, one base duplicated (A; older notation c.2306dupA).
Protein change: p.Tyr769Ter; replaces tyrosine 769 with a stop codon.
Molecular consequence: nonsense.
Genome position (GRCh38, 1-based): chr14:95,108,454, T duplicated on the plus strand (A on the coding strand, the reverse complement: DICER1 is on the minus strand). VCF-style (leftmost placement, unchanged base first): chr14-95108453-G-GT. GRCh37 (hg19) VCF-style: chr14-95574790-G-GT.
Other names: c.2306dupA (NM_177438.2); c.2306dup, p.Tyr769Ter (NM_001195573.1, NM_001271282.3, NM_001291628.2 and 1 more transcripts); short protein forms Y769*.
Identifiers: ClinVar variation 1368411 (VCV001368411.8), dbSNP rs2140033227, ClinGen allele CA2573150483.